The following is an entry in ClinVar:

ClinVar aggregate classification (germline): Uncertain significance (1 of 4 stars; one submission).

Conditions:
Intellectual disability. Also called: Intellectual functioning disability; intellectual disabilities; Intellectual developmental disorder. Identifiers: MedGen C3714756, MeSH D008607, MONDO:0001071, HP:0001249.

gnomAD v4.1: 1 of 1,613,384 alleles (0.000062%); highest among the groups gnomAD compares: South Asian, 0.0011%; no homozygotes.

Submission:

Labcorp Genetics (formerly Invitae), Labcorp
Classification: Uncertain significance for Intellectual disability. Last evaluated: 2022-07-13. Review status: criteria provided, single submitter. Criteria: Invitae Variant Classification Sherloc (09022015). Collection method: clinical testing. Allele origin: germline.
Comment: This variant is not present in population databases (gnomAD no frequency). In summary, the available evidence is currently insufficient to determine the role of this variant in disease. Therefore, it has been classified as a Variant of Uncertain Significance. Advanced modeling of protein sequence and biophysical properties (such as structural, functional, and spatial information, amino acid conservation, physicochemical variation, residue mobility, and thermodynamic stability) performed at Invitae indicates that this missense variant is not expected to disrupt GABRB2 protein function. This variant has not been reported in the literature in individuals affected with GABRB2-related conditions. This sequence change replaces arginine, which is basic and polar, with leucine, which is neutral and non-polar, at codon 373 of the GABRB2 protein (p.Arg373Leu).

NM_001371727.1(GABRB2):c.1118G>T (p.Arg373Leu)

Gene: GABRB2 (gamma-aminobutyric acid type A receptor subunit beta2; minus strand). Cytogenetic location: 5q34.
Variant type: single nucleotide variant.
Coding change: c.1118G>T on transcript NM_001371727.1 (MANE Select); coding-DNA position 1118, G replaced by T.
Protein change: p.Arg373Leu; replaces arginine 373 with leucine.
Molecular consequence: missense variant. On other transcripts: intron variant (1).
Genome position (GRCh38, 1-based): chr5:161,326,441, C>A on the plus strand (G>T on the coding strand, the complement: GABRB2 is on the minus strand). VCF-style: chr5-161326441-C-A. GRCh37 (hg19) VCF-style: chr5-160753448-C-A.
Other names: c.1118G>T, p.Arg373Leu (NM_021911.3); c.1077+4442G>T (NM_000813.3); short protein forms R373L.
Identifiers: ClinVar variation 2108721 (VCV002108721.4), dbSNP rs202183786, ClinGen allele CA362174356.